The following is an entry in ClinVar:

ClinVar aggregate classification (germline): Uncertain significance (1 of 4 stars; one submission).

Submission:

Women's Health and Genetics/Laboratory Corporation of America, LabCorp
Classification: Uncertain significance. Last evaluated: 2024-08-05. Review status: criteria provided, single submitter. Criteria: LabCorp Variant Classification Summary - May 2015. Collection method: clinical testing. Allele origin: germline.
Comment: Variant summary: The variant involves the duplication of Exons 1-5 in the SHOX (NM_000451.4). A presumed nomenclature of c.(?_-108)_(633+1_634-1)dup has been designated for the purposes of this classification. In a different transcript (i.e. NM_000451.3) this variant involves the duplication of the non-coding exon 1 through the coding part of exon 5. It is assumed to be a tandem duplication in direct orientation (PMIDs: 25640679, 30054569). The exact breakpoint at the 5' end of this variant is unknown, therefore this duplication may extend upstream of the annotated region of this gene. It is predicted to duplicate a segment including the initiation codon, therefore its impact on the encoded protein is unknown. A duplication variant spanning the same exons (NM_000451.4) of the SHOX gene and extending further upstream (hg19, chrX:358374-602253; Size: 243,879 bp) was found at a frequency of 4.6e-05 in 21648 control chromosomes (gnomAD Structural Variants v2.1 dataset). The available data on variant occurrences in the general population are insufficient to allow any conclusion about variant significance. To our knowledge, no occurrence of c.(?_-108)_(633+1_634-1)dup in individuals affected with Leri-Weill Dyschondrosteosis and no experimental evidence demonstrating its impact on protein function have been reported. No submitters have cited clinical-significance assessments for this variant to ClinVar. Based on the evidence outlined above, the variant was classified as uncertain significance.

NC_000023.10:g.(?_591525)_(601823_605125)dup

Gene: SHOX (SHOX homeobox; plus strand). Cytogenetic location: Xp22.33.
Variant type: Duplication.
Identifiers: ClinVar variation 3366488 (VCV003366488.1).